The following is an entry in ClinVar:

ClinVar aggregate classification (germline): Uncertain significance (1 of 4 stars; one submission).

Conditions:
Melnick-Fraser syndrome (BOR). Also called: Branchiootorenal Syndrome (BORS); Branchiootorenal syndrome; Branchio-oto-renal syndrome. Identifiers: Orphanet 107, MedGen C0265234, MONDO:0007029.

Submission:

Labcorp Genetics (formerly Invitae), Labcorp
Classification: Uncertain significance for Melnick-Fraser syndrome. Last evaluated: 2024-07-23. Review status: criteria provided, single submitter. Criteria: Invitae Variant Classification Sherloc (09022015). Collection method: clinical testing. Allele origin: germline.
Comment: This sequence change replaces methionine, which is neutral and non-polar, with valine, which is neutral and non-polar, at codon 118 of the EYA1 protein (p.Met118Val). This variant is present in population databases (rs778898100, gnomAD 0.004%). This missense change has been observed in individual(s) with clinical features of EYA1-related conditions (PMID: 36549658). Advanced modeling of protein sequence and biophysical properties (such as structural, functional, and spatial information, amino acid conservation, physicochemical variation, residue mobility, and thermodynamic stability) performed at Invitae indicates that this missense variant is not expected to disrupt EYA1 protein function with a negative predictive value of 95%. In summary, the available evidence is currently insufficient to determine the role of this variant in disease. Therefore, it has been classified as a Variant of Uncertain Significance.

Literature cited by the submitters: PubMed 36549658.

NM_000503.6(EYA1):c.352A>G (p.Met118Val)

Gene: EYA1 (EYA transcriptional coactivator and phosphatase 1; minus strand). Cytogenetic location: 8q13.3.
Variant type: single nucleotide variant.
Coding change: c.352A>G on transcript NM_000503.6 (MANE Select); coding-DNA position 352, A replaced by G.
Protein change: p.Met118Val; replaces methionine 118 with valine.
Molecular consequence: missense variant. On other transcripts: initiator codon variant (1).
Genome position (GRCh38, 1-based): chr8:71,321,800, T>C on the plus strand (A>G on the coding strand, the complement: EYA1 is on the minus strand). VCF-style: chr8-71321800-T-C. GRCh37 (hg19) VCF-style: chr8-72234035-T-C.
Other names: c.352A>G, p.Met118Val (NM_001370335.1, NM_172058.4, NM_001370334.1); c.436A>G, p.Met146Val (NM_001370336.1); c.253A>G, p.Met85Val (NM_001411797.1, NM_172060.4); c.439A>G, p.Met147Val (NM_172059.5, NM_001370333.1); c.349A>G, p.Met117Val (NM_001288574.2); c.1A>G, p.Met1Val (NM_001288575.2); short protein forms M146V, M1V, M85V, M118V, M147V, M117V.
Identifiers: ClinVar variation 3673737 (VCV003673737.2).
Genomic context (GRCh38, chr8:71,321,800, plus strand): 5'-AGGAAATGCCGTACGGCTGTCCTGGCTGTGGGTACGTGGCATAGGCTGTAGCTTGTTGCA[T>C]TCCTGTGGTAAACTGTGTTTGCCCATATGCAGCCATAGTTTGTGAGGAAGGGGTAGGGAG-3'
Protein context (NP_000494.2, residues 108-128): AYGQTQFTTG[Met118Val]QQATAYATYP